The following is an entry in ClinVar:

NM_001457.4(FLNB):c.7572G>T (p.Lys2524Asn)

Genes: FLNB (filamin B; plus strand), FLNB-AS1 (FLNB antisense RNA 1; minus strand). Cytogenetic location: 3p14.3.
Variant type: single nucleotide variant.
Coding change: c.7572G>T on transcript NM_001457.4 (MANE Select); coding-DNA position 7572, G replaced by T.
Protein change: p.Lys2524Asn; replaces lysine 2524 with asparagine.
Molecular consequence: missense variant.
Genome position (GRCh38, 1-based): chr3:58,169,744, G>T. VCF-style: chr3-58169744-G-T. GRCh37 (hg19) VCF-style: chr3-58155471-G-T.
Other names: c.7665G>T, p.Lys2555Asn (NM_001164317.2); c.7539G>T, p.Lys2513Asn (NM_001164318.2); c.7500G>T, p.Lys2500Asn (NM_001164319.2); short protein forms K2500N, K2513N, K2524N, K2555N.
Identifiers: ClinVar variation 2964112 (VCV002964112.3), dbSNP rs1559746019, ClinGen allele CA353335943.

ClinVar aggregate classification (germline): Uncertain significance (1 of 4 stars; one submission).

Allele frequency attached by ClinVar (database versions not stated): TOPMed below 0.00001.

Submission:

Labcorp Genetics (formerly Invitae), Labcorp
Classification: Uncertain significance. Last evaluated: 2025-06-17. Review status: criteria provided, single submitter. Criteria: Invitae Variant Classification Sherloc (09022015). Collection method: clinical testing. Allele origin: germline.
Comment: This sequence change replaces lysine, which is basic and polar, with asparagine, which is neutral and polar, at codon 2524 of the FLNB protein (p.Lys2524Asn). This variant is not present in population databases (gnomAD no frequency). This variant has not been reported in the literature in individuals affected with FLNB-related conditions. ClinVar contains an entry for this variant (Variation ID: 2964112). Invitae Evidence Modeling of protein sequence and biophysical properties (such as structural, functional, and spatial information, amino acid conservation, physicochemical variation, residue mobility, and thermodynamic stability) indicates that this missense variant is not expected to disrupt FLNB protein function with a negative predictive value of 95%. In summary, the available evidence is currently insufficient to determine the role of this variant in disease. Therefore, it has been classified as a Variant of Uncertain Significance.